The following is an entry in ClinVar:

NM_002528.7(NTHL1):c.361A>G (p.Arg121Gly)

Gene: NTHL1 (nth like DNA glycosylase 1; minus strand). Cytogenetic location: 16p13.3.
Variant type: single nucleotide variant.
Coding change: c.361A>G on transcript NM_002528.7 (MANE Select); coding-DNA position 361, A replaced by G.
Protein change: p.Arg121Gly; replaces arginine 121 with glycine.
Molecular consequence: missense variant. On other transcripts: intron variant (1).
Genome position (GRCh38, 1-based): chr16:2,044,794, T>C on the plus strand (A>G on the coding strand, the complement: NTHL1 is on the minus strand). VCF-style: chr16-2044794-T-C. GRCh37 (hg19) VCF-style: chr16-2094795-T-C.
Other names: c.31A>G, p.Arg11Gly (NM_001318194.2); c.355-1068A>G (NM_001318193.2); short protein forms R11G, R121G.
Identifiers: ClinVar variation 3922257 (VCV003922257.1).

ClinVar aggregate classification (germline): Uncertain significance (1 of 4 stars; one submission).

Conditions:
Hereditary cancer-predisposing syndrome. Also called: Hereditary Cancer Syndrome; Hereditary neoplastic syndrome; Neoplastic Syndromes, Hereditary; Tumor predisposition. Identifiers: Orphanet 140162, MedGen C0027672, MeSH D009386, MONDO:0015356.

Submission:

Ambry Genetics
Classification: Uncertain significance for Hereditary cancer-predisposing syndrome. Last evaluated: 2025-05-19. Review status: criteria provided, single submitter. Criteria: Ambry Variant Classification Scheme 2023. Collection method: clinical testing. Allele origin: germline.
Comment: The p.R129G variant (also known as c.385A>G), located in coding exon 3 of the NTHL1 gene, results from an A to G substitution at nucleotide position 385. The arginine at codon 129 is replaced by glycine, an amino acid with dissimilar properties. This amino acid position is conserved. In addition, this alteration is predicted to be deleterious by in silico analysis. Based on the available evidence, the clinical significance of this variant remains unclear.